The following is an entry in ClinVar:

ClinVar aggregate classification (germline): Uncertain significance (1 of 4 stars; one submission).

Conditions:
Bloom syndrome (BLM). Also called: Bloom-Torre-Machacek syndrome. Identifiers: Orphanet 125, MedGen C0005859, MONDO:0008876, OMIM 210900.

Submission:

Labcorp Genetics (formerly Invitae), Labcorp
Classification: Uncertain significance for Bloom syndrome. Last evaluated: 2025-11-27. Review status: criteria provided, single submitter. Criteria: Invitae Variant Classification Sherloc (09022015). Collection method: clinical testing. Allele origin: germline.
Comment: This sequence change falls in intron 7 of the BLM gene. It does not directly change the encoded amino acid sequence of the BLM protein. This variant is not present in population databases (gnomAD no frequency). This variant has not been reported in the literature in individuals affected with BLM-related conditions. Algorithms developed to predict the effect of sequence changes on RNA splicing suggest that this variant may disrupt the consensus splice site. In summary, the available evidence is currently insufficient to determine the role of this variant in disease. Therefore, it has been classified as a Variant of Uncertain Significance.

NM_000057.4(BLM):c.1883-18C>G

Gene: BLM (BLM RecQ like helicase; plus strand). Cytogenetic location: 15q26.1.
Variant type: single nucleotide variant.
Coding change: c.1883-18C>G on transcript NM_000057.4 (MANE Select); 18 bases into the intron before coding-DNA position 1883, C replaced by G.
Molecular consequence: intron variant.
Genome position (GRCh38, 1-based): chr15:90,762,948, C>G. VCF-style: chr15-90762948-C-G. GRCh37 (hg19) VCF-style: chr15-91306178-C-G.
Other names: c.1883-18C>G (NM_001287246.2, NM_001287247.2); c.758-18C>G (NM_001287248.2).
Identifiers: ClinVar variation 4732104 (VCV004732104.1).